The following is an entry in ClinVar:

ClinVar aggregate classification (germline): Uncertain significance. Review status: criteria provided, multiple submitters, no conflicts (2 of 4 stars). 2 submissions from 2 submitters: Uncertain significance (2). Last evaluated 2025-12-09.

Conditions:
Inborn genetic diseases. Identifiers: MedGen C0950123, MeSH D030342.
T-B+ severe combined immunodeficiency due to JAK3 deficiency. Also called: SCID, autosomal recessive, T-negative/B-positive type; SCID, T CELL-NEGATIVE, B CELL-POSITIVE, NK CELL-NEGATIVE. Identifiers: Orphanet 35078, MedGen C1833275, MONDO:0010938, OMIM 600802.

Allele frequency attached by ClinVar (database versions not stated): TOPMed 0.00001; gnomAD 0.00001.
gnomAD v4.1: 4 of 1,613,968 alleles (0.00025%); highest among the groups gnomAD compares: African/African-American, 0.0013%; no homozygotes.

Submissions (2):

Ambry Genetics
Classification: Uncertain significance for Inborn genetic diseases. Last evaluated: 2025-12-09. Review status: criteria provided, single submitter. Criteria: Ambry Variant Classification Scheme 2023. Collection method: clinical testing. Allele origin: germline.

Labcorp Genetics (formerly Invitae), Labcorp
Classification: Uncertain significance for T-B+ severe combined immunodeficiency due to JAK3 deficiency. Last evaluated: 2022-09-27. Review status: criteria provided, single submitter. Criteria: Invitae Variant Classification Sherloc (09022015). Collection method: clinical testing. Allele origin: germline.
Comment: This sequence change replaces proline, which is neutral and non-polar, with serine, which is neutral and polar, at codon 1114 of the JAK3 protein (p.Pro1114Ser). This variant is present in population databases (no rsID available, gnomAD no frequency). This variant has not been reported in the literature in individuals affected with JAK3-related conditions. Advanced modeling of protein sequence and biophysical properties (such as structural, functional, and spatial information, amino acid conservation, physicochemical variation, residue mobility, and thermodynamic stability) performed at Invitae indicates that this missense variant is not expected to disrupt JAK3 protein function. In summary, the available evidence is currently insufficient to determine the role of this variant in disease. Therefore, it has been classified as a Variant of Uncertain Significance.

NM_000215.4(JAK3):c.3340C>T (p.Pro1114Ser)

Gene: JAK3 (Janus kinase 3; minus strand). Cytogenetic location: 19p13.11.
Variant type: single nucleotide variant.
Coding change: c.3340C>T on transcript NM_000215.4 (MANE Select); coding-DNA position 3340, C replaced by T.
Protein change: p.Pro1114Ser; replaces proline 1114 with serine.
Molecular consequence: missense variant.
Genome position (GRCh38, 1-based): chr19:17,826,778, G>A on the plus strand (C>T on the coding strand, the complement: JAK3 is on the minus strand). VCF-style: chr19-17826778-G-A. GRCh37 (hg19) VCF-style: chr19-17937587-G-A.
Other names: short protein forms P1114S.
Identifiers: ClinVar variation 2096020 (VCV002096020.2), dbSNP rs1051602658, ClinGen allele CA404762966.